The following is an entry in ClinVar:

ClinVar aggregate classification (germline): Uncertain significance (1 of 4 stars; one submission).

Conditions:
Cystic fibrosis (CF). Also called: MUCOVISCIDOSIS. Identifiers: Orphanet 586, MedGen C0010674, MONDO:0009061, OMIM 219700. Disease mechanism: loss of function.

Allele frequency attached by ClinVar (database versions not stated): gnomAD 0.00001; TOPMed below 0.00001.
gnomAD v4.1: 1 of 1,613,990 alleles (0.000062%); highest among the groups gnomAD compares: Non-Finnish European, 0.000085%; no homozygotes.

Submission:

Ambry Genetics
Classification: Uncertain significance for Cystic fibrosis. Last evaluated: 2024-02-24. Review status: criteria provided, single submitter. Criteria: Ambry Variant Classification Scheme 2023. Collection method: clinical testing. Allele origin: germline.
Comment: The p.T717N variant (also known as c.2150C>A), located in coding exon 14 of the CFTR gene, results from a C to A substitution at nucleotide position 2150. The threonine at codon 717 is replaced by asparagine, an amino acid with similar properties. This amino acid position is conserved. In addition, the in silico prediction for this alteration is inconclusive. Based on the available evidence, the clinical significance of this alteration remains unclear.

NM_000492.4(CFTR):c.2150C>A (p.Thr717Asn)

Gene: CFTR (CF transmembrane conductance regulator; plus strand). Cytogenetic location: 7q31.2.
Variant type: single nucleotide variant.
Coding change: c.2150C>A on transcript NM_000492.4 (MANE Select); coding-DNA position 2150, C replaced by A.
Protein change: p.Thr717Asn; replaces threonine 717 with asparagine.
Molecular consequence: missense variant.
Genome position (GRCh38, 1-based): chr7:117,592,317, C>A. VCF-style: chr7-117592317-C-A. GRCh37 (hg19) VCF-style: chr7-117232371-C-A.
Other names: short protein forms T717N.
Identifiers: ClinVar variation 3231847 (VCV003231847.1), dbSNP rs767516547, ClinGen allele CA368980030.